The following is an entry in ClinVar:

NM_031220.4(PITPNM3):c.935T>C (p.Leu312Pro)

Gene: PITPNM3 (PITPNM family member 3; minus strand). Cytogenetic location: 17p13.2.
Variant type: single nucleotide variant.
Coding change: c.935T>C on transcript NM_031220.4 (MANE Select); coding-DNA position 935, T replaced by C.
Protein change: p.Leu312Pro; replaces leucine 312 with proline.
Molecular consequence: missense variant.
Genome position (GRCh38, 1-based): chr17:6,477,179, A>G on the plus strand (T>C on the coding strand, the complement: PITPNM3 is on the minus strand). VCF-style: chr17-6477179-A-G. GRCh37 (hg19) VCF-style: chr17-6380499-A-G.
Other names: c.827T>C, p.Leu276Pro (NM_001165966.2); short protein forms L276P, L312P.
Identifiers: ClinVar variation 3602518 (VCV003602518.1).
Genomic context (GRCh38, chr17:6,477,179, plus strand): 5'-TCATCCTCCAACCCACTGGAGATGTCAATGTTGCTTTTGCTGAGACGCTTGCTGCTGGCC[A>G]GGCTGCAATCTTCCTCCACCGCGACTGGGGTGTCCTTTGGGACCGAACAGGGGACAGGAG-3'
Protein context (NP_112497.2, residues 302-322): TPVAVEEDCS[Leu312Pro]ASSKRLSKSN

ClinVar aggregate classification (germline): Uncertain significance (1 of 4 stars; one submission).

Submission:

GeneDx
Classification: Uncertain significance. Last evaluated: 2024-08-01. Review status: criteria provided, single submitter. Criteria: GeneDx Variant Classification Process June 2021. Collection method: clinical testing. Allele origin: germline. Affected: yes.
Comment: Not observed at significant frequency in large population cohorts (gnomAD); In silico analysis supports that this missense variant has a deleterious effect on protein structure/function; Has not been previously published as pathogenic or benign to our knowledge